The following is an entry in ClinVar:

NM_017947.4(MOCOS):c.69_73del (p.Pro24fs)

Gene: MOCOS (molybdenum cofactor sulfurase; plus strand). Cytogenetic location: 18q12.2.
Variant type: Deletion.
Coding change: c.69_73del on transcript NM_017947.4 (MANE Select); coding-DNA positions 69 to 73, 5 bases deleted (ACCGC; older notation c.69_73delACCGC).
Protein change: p.Pro24fs; shifts the reading frame from proline 24.
Molecular consequence: frameshift variant.
Genome position (GRCh38, 1-based): chr18:36,187,608-36,187,612, ACCGC deleted; deleting any 5 consecutive bases within chr18:36,187,605-36,187,612 gives the same sequence; the c. name uses the placement nearest the transcript's 3' end. VCF-style (leftmost placement, unchanged base first): chr18-36187604-GCGCAC-G. GRCh37 (hg19) VCF-style: chr18-33767567-GCGCAC-G.
Other names: c.69_73delACCGC (NM_017947.4); short protein forms P24fs.
Identifiers: ClinVar variation 4849464 (VCV004849464.1).
Genomic context (GRCh38, chr18:36,187,604, plus strand): 5'-CCGGCGCGGCGGCGGAGTCAGGGCGGGAGCTGTGGACCTTCGCGGGTTCCCGGGACCCGA[GCGCAC>G]CGCGGCTAGCCTACGGCTACGGCCCGGGCAGCCTGCGCGAGCTGCGGGCGCGCGAGTTCA-3'

ClinVar aggregate classification (germline): Likely pathogenic (1 of 4 stars; one submission).

Conditions:
Xanthinuria type II. Also called: Xanthine dehydrogenase and aldehyde oxidase combined deficiency of; XDH and AOX dual deficiency. Identifiers: Orphanet 3467, Orphanet 93602, MedGen C1863688, MONDO:0011346, OMIM 603592.

Submission:

First Genomix Gene Laboratory, Genetic Diagnostics Department
Classification: Likely pathogenic for Xanthinuria type II. Last evaluated: 2025-06-04. Review status: criteria provided, single submitter. Criteria: ACMG Guidelines, 2015. Collection method: clinical testing. Allele origin: germline. Inheritance: Autosomal recessive inheritance. Affected: no.